The following is an entry in ClinVar:

NM_020163.3(SEMA3G):c.688G>A (p.Ala230Thr)

Gene: SEMA3G (semaphorin 3G; minus strand). Cytogenetic location: 3p21.1.
Variant type: single nucleotide variant.
Coding change: c.688G>A on transcript NM_020163.3 (MANE Select); coding-DNA position 688, G replaced by A.
Protein change: p.Ala230Thr; replaces alanine 230 with threonine.
Molecular consequence: missense variant.
Genome position (GRCh38, 1-based): chr3:52,441,389, C>T on the plus strand (G>A on the coding strand, the complement: SEMA3G is on the minus strand). VCF-style: chr3-52441389-C-T. GRCh37 (hg19) VCF-style: chr3-52475405-C-T.
Other names: c.688G>A (NM_020163.2); short protein forms A230T.
Identifiers: ClinVar variation 2458287 (VCV002458287.4), dbSNP rs143736196, ClinGen allele CA2438238.
Genomic context (GRCh38, chr3:52,441,389, plus strand): 5'-TCTCCGAGAAGAAGAAGTACACCTTGTCATTGTCCTGGTCAGAGTTCTCAGGGATCCGGG[C>T]GGCCATCACAAACCGGGGGTCTGGAAGGGTGACAGGGTCATGCTGGGTGGAGGGGCCCCA-3'
Protein context (NP_064548.1, residues 220-240): LLHDPRFVMA[Ala230Thr]RIPENSDQDN

ClinVar aggregate classification (germline): Uncertain significance. Review status: criteria provided, single submitter (1 of 4 stars). 2 submissions from 2 submitters: Uncertain significance (1). 1 of the submissions does not count toward it. Last evaluated 2023-01-24.

Conditions:
SEMA3G-related disorder. Also called: SEMA3G-related condition.

Allele frequency attached by ClinVar (database versions not stated): gnomAD 0.00006; gnomAD exomes 0.00006; ESP Exome Variant Server 0.00015; TOPMed 0.00018; ExAC 0.00019; 1000 Genomes Project 0.00020; 1000 Genomes Project 30x 0.00031.
gnomAD v4.1: 96 of 1,613,626 alleles (0.0059%); highest among the groups gnomAD compares: Admixed American, 0.13%; 1 homozygote.

Submissions (2):

Ambry Genetics
Classification: Uncertain significance. Last evaluated: 2023-01-24. Review status: criteria provided, single submitter. Criteria: Ambry Variant Classification Scheme 2023. Collection method: clinical testing. Allele origin: germline.

PreventionGenetics, part of Exact Sciences
Classification: Likely benign for SEMA3G-related condition. Last evaluated: 2022-05-04. Review status: no assertion criteria provided. Collection method: clinical testing. Allele origin: germline. Not counted in ClinVar's aggregate classification.
Comment: This variant is classified as likely benign based on ACMG/AMP sequence variant interpretation guidelines (Richards et al. 2015 PMID: 25741868, with internal and published modifications).